The following is an entry in ClinVar:

NM_182931.3(KMT2E):c.2453G>A (p.Arg818Gln)

Gene: KMT2E (lysine methyltransferase 2E (inactive); plus strand). Cytogenetic location: 7q22.3.
Variant type: single nucleotide variant.
Coding change: c.2453G>A on transcript NM_182931.3 (MANE Select); coding-DNA position 2453, G replaced by A.
Protein change: p.Arg818Gln; replaces arginine 818 with glutamine.
Molecular consequence: missense variant.
Genome position (GRCh38, 1-based): chr7:105,105,860, G>A. VCF-style: chr7-105105860-G-A. GRCh37 (hg19) VCF-style: chr7-104746307-G-A.
Other names: c.2453G>A, p.Arg818Gln (NM_001410908.1, NM_018682.4); short protein forms R818Q.
Identifiers: ClinVar variation 3714018 (VCV003714018.2).

ClinVar aggregate classification (germline): Uncertain significance (1 of 4 stars; one submission).

gnomAD v4.1: 5 of 1,610,456 alleles (0.00031%); highest among the groups gnomAD compares: African/African-American, 0.0027%; no homozygotes.

Submission:

Labcorp Genetics (formerly Invitae), Labcorp
Classification: Uncertain significance. Last evaluated: 2024-02-01. Review status: criteria provided, single submitter. Criteria: Invitae Variant Classification Sherloc (09022015). Collection method: clinical testing. Allele origin: germline.
Comment: This sequence change replaces arginine, which is basic and polar, with glutamine, which is neutral and polar, at codon 818 of the KMT2E protein (p.Arg818Gln). This variant is not present in population databases (gnomAD no frequency). This missense change has been observed in individual(s) with clinical features of KMT2E-related conditions (Invitae). An algorithm developed to predict the effect of missense changes on protein structure and function (PolyPhen-2) suggests that this variant is likely to be tolerated. In summary, the available evidence is currently insufficient to determine the role of this variant in disease. Therefore, it has been classified as a Variant of Uncertain Significance.